The following is an entry in ClinVar:

ClinVar aggregate classification (germline): Conflicting classifications of pathogenicity. Review status: criteria provided, conflicting classifications (1 of 4 stars). 4 submissions from 4 submitters: Uncertain significance (1); Likely benign (2). 1 of the submissions does not count toward it. Last evaluated 2023-11-15.

Conditions:
Amyotrophic lateral sclerosis type 4 (ALS4). Also called: NEURONOPATHY, DISTAL HEREDITARY MOTOR, WITH PYRAMIDAL FEATURES; AMYOTROPHIC LATERAL SCLEROSIS 4, JUVENILE. Identifiers: Orphanet 357043, MedGen C1865409, MONDO:0011223, OMIM 602433.
Spinocerebellar ataxia, autosomal recessive, with axonal neuropathy 2 (SCAN2). Also called: ATAXIA-OCULOMOTOR APRAXIA 2; Ataxia-ocular apraxia-2; Ataxia with Oculomotor Apraxia; Ataxia with Oculomotor Apraxia Type 2. Identifiers: Orphanet 64753, MedGen C1853761, MONDO:0018996, OMIM 606002.
SETX-related disorder. Also called: SETX-related disorders; SETX-related condition. Identifiers: MedGen CN239403.
Hereditary spastic paraplegia. Also called: Familial spastic paraparesis. Identifiers: Orphanet 685, MedGen C0037773, MONDO:0019064. Disease mechanism: loss of function.

Allele frequency attached by ClinVar (database versions not stated): gnomAD exomes below 0.00001 and 0.00004; gnomAD 0.00001; TOPMed 0.00002.
gnomAD v4.1: 69 of 1,614,096 alleles (0.0043%); highest among the groups gnomAD compares: Non-Finnish European, 0.0054%; no homozygotes.

Submissions (4):

Athena Diagnostics
Classification: Likely benign. Last evaluated: 2023-11-15. Review status: criteria provided, single submitter. Criteria: Athena Diagnostics Criteria. Collection method: clinical testing. Allele origin: unknown.

Labcorp Genetics (formerly Invitae), Labcorp
Classification: Likely benign for Amyotrophic lateral sclerosis type 4; Spinocerebellar ataxia, autosomal recessive, with axonal neuropathy 2. Last evaluated: 2022-05-06. Review status: criteria provided, single submitter. Criteria: Invitae Variant Classification Sherloc (09022015). Collection method: clinical testing. Allele origin: germline.

Genome Diagnostics Laboratory, The Hospital for Sick Children
Classification: Uncertain significance for Hereditary spastic paraplegia. Last evaluated: 2016-12-12. Review status: criteria provided, single submitter. Criteria: ACMG Guidelines, 2015. Collection method: clinical testing. Allele origin: germline. Affected: yes.

PreventionGenetics, part of Exact Sciences
Classification: Likely benign for SETX-related condition. Last evaluated: 2022-04-20. Review status: no assertion criteria provided. Collection method: clinical testing. Allele origin: germline. Not counted in ClinVar's aggregate classification.
Comment: This variant is classified as likely benign based on ACMG/AMP sequence variant interpretation guidelines (Richards et al. 2015 PMID: 25741868, with internal and published modifications).

Literature cited by the submitters: PubMed 23881933 (cited by Athena Diagnostics).

NM_015046.7(SETX):c.6024T>C (p.Pro2008=)

Gene: SETX (senataxin; minus strand). Cytogenetic location: 9q34.13.
Variant type: single nucleotide variant.
Coding change: c.6024T>C on transcript NM_015046.7 (MANE Select); coding-DNA position 6024, T replaced by C.
Protein change: p.Pro2008=; no amino-acid change (proline 2008 retained).
Molecular consequence: synonymous variant.
Genome position (GRCh38, 1-based): chr9:132,295,954, A>G on the plus strand (T>C on the coding strand, the complement: SETX is on the minus strand). VCF-style: chr9-132295954-A-G. GRCh37 (hg19) VCF-style: chr9-135171341-A-G.
Other names: c.6024T>C, p.Pro2008= (NM_001351527.2, NM_001351528.2).
Identifiers: ClinVar variation 1344022 (VCV001344022.14), dbSNP rs1045096306, ClinGen allele CA200818192.